The following is an entry in ClinVar:

NM_001130987.2(DYSF):c.4292G>A (p.Arg1431His)

Gene: DYSF (dysferlin; plus strand). Cytogenetic location: 2p13.2.
Variant type: single nucleotide variant.
Coding change: c.4292G>A on transcript NM_001130987.2 (MANE Select); coding-DNA position 4292, G replaced by A.
Protein change: p.Arg1431His; replaces arginine 1431 with histidine.
Molecular consequence: missense variant.
Genome position (GRCh38, 1-based): chr2:71,612,711, G>A. VCF-style: chr2-71612711-G-A. GRCh37 (hg19) VCF-style: chr2-71839841-G-A.
Other names: c.4241G>A, p.Arg1414His (NM_001130455.2, NM_001130983.2); c.4196G>A, p.Arg1399His (NM_001130976.2, NM_001130977.2); c.4238G>A, p.Arg1413His (NM_001130978.2, NM_003494.4); c.4331G>A, p.Arg1444His (NM_001130979.2); c.4289G>A, p.Arg1430His (NM_001130980.2, NM_001130981.2); c.4334G>A, p.Arg1445His (NM_001130982.2); c.4199G>A, p.Arg1400His (NM_001130984.2, NM_001130986.2); c.4292G>A, p.Arg1431His (NM_001130985.2); short protein forms R1413H, R1431H, R1430H, R1444H, R1445H, R1399H, R1400H, R1414H.
Identifiers: ClinVar variation 569799 (VCV000569799.13), dbSNP rs768354800, ClinGen allele CA1706958.

ClinVar aggregate classification (germline): Uncertain significance. Review status: criteria provided, multiple submitters, no conflicts (2 of 4 stars). 4 submissions from 4 submitters: Uncertain significance (3). 1 of the submissions does not count toward it. Last evaluated 2025-09-26.

Conditions:
Inborn genetic diseases. Identifiers: MedGen C0950123, MeSH D030342.
Neuromuscular disease caused by qualitative or quantitative defects of dysferlin. Also called: Qualitative or quantitative defects of dysferlin; Dysferlinopathy. Identifiers: Orphanet 207073, MedGen C2931687, MONDO:0016145.
Autosomal recessive limb-girdle muscular dystrophy type 2B (LGMDR2). Also called: Limb-girdle muscular dystrophy, type 2B; Limb-Girdle Muscular Dystrophy Type 2B (LGMD2B); MUSCULAR DYSTROPHY, LIMB-GIRDLE, TYPE 3; MUSCULAR DYSTROPHY, LIMB-GIRDLE, AUTOSOMAL RECESSIVE 2. Identifiers: Orphanet 268, MedGen C1850889, MONDO:0009676, OMIM 253601.

Allele frequency attached by ClinVar (database versions not stated): gnomAD exomes 0.00001 and 0.00003; ExAC 0.00002; TOPMed 0.00003; gnomAD 0.00004.
gnomAD v4.1: 49 of 1,614,074 alleles (0.003%); highest among the groups gnomAD compares: Non-Finnish European, 0.004%; no homozygotes.

Submissions (4):

Labcorp Genetics (formerly Invitae), Labcorp
Classification: Uncertain significance for Neuromuscular disease caused by qualitative or quantitative defects of dysferlin. Last evaluated: 2025-09-26. Review status: criteria provided, single submitter. Criteria: Invitae Variant Classification Sherloc (09022015). Collection method: clinical testing. Allele origin: germline.
Comment: This sequence change replaces arginine, which is basic and polar, with histidine, which is basic and polar, at codon 1413 of the DYSF protein (p.Arg1413His). The frequency data for this variant in the population databases is considered unreliable, as metrics indicate poor data quality at this position in the gnomAD database. This variant has not been reported in the literature in individuals affected with DYSF-related conditions. ClinVar contains an entry for this variant (Variation ID: 569799). Invitae Evidence Modeling of protein sequence and biophysical properties (such as structural, functional, and spatial information, amino acid conservation, physicochemical variation, residue mobility, and thermodynamic stability) indicates that this missense variant is not expected to disrupt DYSF protein function with a negative predictive value of 80%. In summary, the available evidence is currently insufficient to determine the role of this variant in disease. Therefore, it has been classified as a Variant of Uncertain Significance.

Ambry Genetics
Classification: Uncertain significance for Inborn genetic diseases. Last evaluated: 2025-07-31. Review status: criteria provided, single submitter. Criteria: Ambry Variant Classification Scheme 2023. Collection method: clinical testing. Allele origin: germline.

Eurofins Ntd Llc (ga)
Classification: Uncertain significance. Last evaluated: 2018-08-09. Review status: criteria provided, single submitter. Criteria: EGL ClinVar v180209 classification definitions. Collection method: clinical testing. Allele origin: germline. Observed: 1 variant allele, 1 heterozygote.

Natera, Inc.
Classification: Uncertain significance for Limb-girdle muscular dystrophy type 2B. Last evaluated: 2020-03-17. Review status: no assertion criteria provided. Collection method: clinical testing. Allele origin: germline. Not counted in ClinVar's aggregate classification.